The following is an entry in ClinVar:

NM_004304.5(ALK):c.3198G>A (p.Leu1066=)

Gene: ALK (ALK receptor tyrosine kinase; minus strand). Cytogenetic location: 2p23.2.
Variant type: single nucleotide variant.
Coding change: c.3198G>A on transcript NM_004304.5 (MANE Select); coding-DNA position 3198, G replaced by A.
Protein change: p.Leu1066=; no amino-acid change (leucine 1066 retained).
Molecular consequence: synonymous variant. On other transcripts: 5 prime UTR variant (1).
Genome position (GRCh38, 1-based): chr2:29,223,503, C>T on the plus strand (G>A on the coding strand, the complement: ALK is on the minus strand). VCF-style: chr2-29223503-C-T. GRCh37 (hg19) VCF-style: chr2-29446369-C-T.
Other names: c.-7G>A (NM_001353765.2).
Identifiers: ClinVar variation 2476956 (VCV002476956.18), dbSNP rs1669866519, ClinGen allele CA425435177.

ClinVar aggregate classification (germline): Likely benign. Review status: criteria provided, multiple submitters, no conflicts (2 of 4 stars). 2 submissions from 2 submitters: Likely benign (2). Last evaluated 2024-08-01.

Conditions:
Hereditary cancer-predisposing syndrome. Also called: Neoplastic Syndromes, Hereditary; Tumor predisposition; Hereditary Cancer Syndrome; Hereditary neoplastic syndrome. Identifiers: Orphanet 140162, MedGen C0027672, MeSH D009386, MONDO:0015356.

Allele frequency attached by ClinVar (database versions not stated): gnomAD exomes below 0.00001.
gnomAD v4.1: 1 of 1,614,034 alleles (0.000062%); highest among the groups gnomAD compares: Non-Finnish European, 0.000085%; no homozygotes.

Submissions (2):

CeGaT Center for Human Genetics Tuebingen
Classification: Likely benign. Last evaluated: 2024-08-01. Review status: criteria provided, single submitter. Criteria: CeGaT Center For Human Genetics Tuebingen Variant Classification Criteria Version 2. Collection method: clinical testing. Allele origin: germline. Affected: yes. Observed: 1 variant allele.
Comment: ALK: PM2:Supporting, BP4, BP7

Ambry Genetics
Classification: Likely benign for Hereditary cancer-predisposing syndrome. Last evaluated: 2023-02-16. Review status: criteria provided, single submitter. Criteria: Ambry Variant Classification Scheme 2023. Collection method: clinical testing. Allele origin: germline.